The following is an entry in ClinVar:

NM_001267550.2(TTN):c.87858dup (p.Ala29287fs)

Genes: TTN (titin; minus strand), TTN-AS1 (TTN antisense RNA 1; plus strand). Cytogenetic location: 2q31.2.
Variant type: Duplication.
Coding change: c.87858dup on transcript NM_001267550.2 (MANE Select); coding-DNA position 87858, one base duplicated (A; older notation c.87858dupA).
Protein change: p.Ala29287fs; shifts the reading frame from alanine 29287.
Molecular consequence: frameshift variant.
Genome position (GRCh38, 1-based): chr2:178,557,404, T duplicated on the plus strand (A on the coding strand, the reverse complement: TTN is on the minus strand); the first of 5 consecutive T bases (chr2:178,557,404-178,557,408); duplicating any one gives the same sequence. VCF-style (leftmost placement, unchanged base first): chr2-178557403-C-CT. GRCh37 (hg19) VCF-style: chr2-179422130-C-CT.
Other names: c.82935dup, p.Ala27646fs (NM_001256850.1); c.60663dup, p.Ala20222fs (NM_003319.4); c.80154dup, p.Ala26719fs (NM_133378.4); c.61038dup, p.Ala20347fs (NM_133432.3); c.61239dup, p.Ala20414fs (NM_133437.4); c.60663dupA (NM_003319.4); short protein forms A20222fs, A20347fs, A20414fs, A26719fs, A27646fs, A29287fs.
Identifiers: ClinVar variation 4866175 (VCV004866175.1).

ClinVar aggregate classification (germline): Likely pathogenic (1 of 4 stars; one submission).

Conditions:
Cardiovascular phenotype. Identifiers: MedGen CN230736.

Submission:

Ambry Genetics
Classification: Likely pathogenic for Cardiovascular phenotype. Last evaluated: 2026-03-24. Review status: criteria provided, single submitter. Criteria: Ambry Variant Classification Scheme 2023. Collection method: clinical testing. Allele origin: germline.
Comment: The c.60663dupA variant, located in coding exon 156 of the TTN gene, results from a duplication of A at nucleotide position 60663, causing a translational frameshift with a predicted alternate stop codon (p.A20222Sfs*23). This exon is located in the A-band region of the N2-B isoform of the titin protein and is constitutively expressed in TTN transcripts (percent spliced in or PSI 100%). This variant was reported in individual(s) with features consistent with dilated cardiomyopathy (Ambry internal data). This variant is considered to be rare based on population cohorts in the Genome Aggregation Database (gnomAD). This variant is expected to result in loss of function by premature protein truncation or nonsense-mediated mRNA decay. While truncating variants in TTN are present in 1-3% of the general population, truncating variants in the A-band are the most common cause of dilated cardiomyopathy (Herman DS et al. N. Engl. J. Med., 2012 Feb;366:619-28; Roberts AM et al. Sci Transl Med, 2015 Jan;7:270ra6). TTN truncating variants encoded in constitutive exons (PSI >90%) have been found to be significantly associated with DCM regardless of their position in titin (Schafer S et al. Nat. Genet., 2017 01;49:46-53; Akhtar MM et al. Circ Heart Fail, 2020 Oct;13:e006832; Massier M et al. Clin Genet, 2025 Jan). Based on the majority of available evidence to date, this variant is likely to be pathogenic.